The following is an entry in ClinVar:

ClinVar aggregate classification (germline): Pathogenic (1 of 4 stars; one submission).

Conditions:
Thrombophilia, X-linked, due to factor 9 defect. Identifiers: MedGen C2749016, MONDO:0010432, OMIM 300807.
Hereditary factor IX deficiency disease (HEMB). Also called: Christmas Disease; F9 DEFICIENCY; FACTOR IX DEFICIENCY; PLASMA THROMBOPLASTIN COMPONENT DEFICIENCY; Hemophilia B. Identifiers: Orphanet 98879, MedGen C0008533, MeSH D002836, MONDO:0010604, OMIM 306900.

Allele frequency attached by ClinVar (database versions not stated): ExAC 0.00001; gnomAD 0.00001.
gnomAD v4.1: 1 of 1,210,071 alleles (0.000083%); highest among the groups gnomAD compares: Non-Finnish European, 0.00011%; no homozygotes.

Submission:

Labcorp Genetics (formerly Invitae), Labcorp
Classification: Pathogenic for Thrombophilia, X-linked, due to factor 9 defect; Hereditary factor IX deficiency disease. Last evaluated: 2022-04-14. Review status: criteria provided, single submitter. Criteria: Invitae Variant Classification Sherloc (09022015). Collection method: clinical testing. Allele origin: germline.
Comment: This variant disrupts the p.Ala397 amino acid residue in F9. Other variant(s) that disrupt this residue have been determined to be pathogenic (PMID: 9590153, 10874302, 22639855). This suggests that this residue is clinically significant, and that variants that disrupt this residue are likely to be disease-causing. For these reasons, this variant has been classified as Pathogenic. Advanced modeling of protein sequence and biophysical properties (such as structural, functional, and spatial information, amino acid conservation, physicochemical variation, residue mobility, and thermodynamic stability) performed at Invitae indicates that this missense variant is expected to disrupt F9 protein function. This missense change has been observed in individuals with hemophilia B (PMID: 18624698, 27865967). This variant is not present in population databases (gnomAD no frequency). This sequence change replaces alanine, which is neutral and non-polar, with valine, which is neutral and non-polar, at codon 397 of the F9 protein (p.Ala397Val).

Literature cited by the submitters: PubMed 9590153; PubMed 10874302; PubMed 22639855; PubMed 18624698; PubMed 27865967.

NM_000133.4(F9):c.1190C>T (p.Ala397Val)

Gene: F9 (coagulation factor IX; plus strand). Cytogenetic location: Xq27.1.
Variant type: single nucleotide variant.
Coding change: c.1190C>T on transcript NM_000133.4 (MANE Select); coding-DNA position 1190, C replaced by T.
Protein change: p.Ala397Val; replaces alanine 397 with valine.
Molecular consequence: missense variant.
Genome position (GRCh38, 1-based): chrX:139,561,875, C>T. VCF-style: chrX-139561875-C-T. GRCh37 (hg19) VCF-style: chrX-138644034-C-T.
Other names: c.1076C>T, p.Ala359Val (NM_001313913.2); short protein forms A397V, A359V.
Identifiers: ClinVar variation 2138746 (VCV002138746.4), dbSNP rs758194285, ClinGen allele CA10529878.